The following is an entry in ClinVar:

ClinVar aggregate classification (germline): Pathogenic/Likely pathogenic. Review status: criteria provided, multiple submitters, no conflicts (2 of 4 stars). 4 submissions from 4 submitters: Pathogenic (2); Likely pathogenic (2). Last evaluated 2026-08-04.

Conditions:
Lynch syndrome. Identifiers: Orphanet 144, MedGen C4552100, MONDO:0005835. Disease mechanism: loss of function.
Lynch syndrome 5 (LYNCH5). Also called: Hereditary non-polyposis colorectal cancer, type 5; Colorectal cancer, hereditary nonpolyposis, type 5. Identifiers: Orphanet 144, MedGen C1833477, MONDO:0013710, OMIM 614350. Disease mechanism: loss of function.
Hereditary nonpolyposis colorectal neoplasms. Identifiers: MedGen C0009405, MeSH D003123.
Hereditary cancer-predisposing syndrome. Also called: Neoplastic Syndromes, Hereditary; Hereditary Cancer Syndrome; Hereditary neoplastic syndrome; Tumor predisposition. Identifiers: Orphanet 140162, MedGen C0027672, MeSH D009386, MONDO:0015356.

Submissions (4):

Ambry Genetics
Classification: Likely pathogenic for Hereditary cancer-predisposing syndrome. Last evaluated: 2026-08-04. Review status: criteria provided, single submitter. Criteria: Ambry Variant Classification Scheme 2023. Collection method: clinical testing. Allele origin: germline.
Comment: The p.Y8* variant (also known as c.24C>G), located in coding exon 1 of the MSH6 gene, results from a C to G substitution at nucleotide position 24. This changes the amino acid from a tyrosine to a stop codon within coding exon 1. The predicted stop codon occurs in the 5&rsquo; end of thegene. Premature termination codons in the 5&rsquo; end of a gene have been reported to escape nonsense-mediated mRNAdecay and/or lead to re-initiation (Rivas et al. Science. 2015 May 8;348(6235):666-9; Lindeboom et al. Nat Genet. 2016 Oct;48(10):1112-8; Rhee et al. Sci Rep. 2017 May 10;7(1):1653). Direct evidence for this variant is unavailable, however premature termination codons are typically deleterious in nature. This variant is considered to be rare based on population cohorts in the Genome Aggregation Database (gnomAD). Based on the majority of available evidence to date, this variant is likely to be pathogenic.

Myriad Genetics, Inc.
Classification: Pathogenic for Lynch syndrome 5. Last evaluated: 2023-08-09. Review status: criteria provided, single submitter. Criteria: Myriad Autosomal Dominant, Autosomal Recessive and X-Linked Classification Criteria (2023). Collection method: clinical testing. Allele origin: unknown.
Comment: This variant is considered pathogenic. This variant creates a termination codon and is predicted to result in premature protein truncation.

Labcorp Genetics (formerly Invitae), Labcorp
Classification: Pathogenic for Hereditary nonpolyposis colorectal neoplasms. Last evaluated: 2022-09-24. Review status: criteria provided, single submitter. Criteria: Invitae Variant Classification Sherloc (09022015). Collection method: clinical testing. Allele origin: germline.
Comment: This variant has not been reported in the literature in individuals affected with MSH6-related conditions. ClinVar contains an entry for this variant (Variation ID: 667010). For these reasons, this variant has been classified as Pathogenic. This variant is not present in population databases (gnomAD no frequency). This sequence change creates a premature translational stop signal (p.Tyr8*) in the MSH6 gene. It is expected to result in an absent or disrupted protein product. Loss-of-function variants in MSH6 are known to be pathogenic (PMID: 18269114, 24362816).

Laboratory for Molecular Medicine, Mass General Brigham Personalized Medicine
Classification: Likely pathogenic for Lynch syndrome. Last evaluated: 2018-06-11. Review status: criteria provided, single submitter. Criteria: LMM Criteria. Collection method: clinical testing. Allele origin: germline. Inheritance: Autosomal dominant inheritance. Observed: 1 variant allele.
Comment: The p.Tyr8X variant in MSH6 has not been previously reported in individuals with MSH6-associated cancers or in large population studies. This nonsense variant l eads to a premature termination codon at position 8, which is predicted to lead to a truncated or absent protein. Heterozygous loss of function of the MSH6 gene is an established disease mechanism in individuals with Lynch syndrome. In summ ary, although additional studies are required to fully establish its clinical si gnificance, the p.Tyr8X variant is likely pathogenic. ACMG/AMP Criteria applied: PVS1; PM2.

Literature cited by the submitters: PubMed 18269114 (cited by Labcorp Genetics (formerly Invitae), Labcorp); PubMed 24362816 (cited by Labcorp Genetics (formerly Invitae), Labcorp).

NM_000179.3(MSH6):c.24C>G (p.Tyr8Ter)

Gene: MSH6 (mutS homolog 6; plus strand). Cytogenetic location: 2p16.3.
Variant type: single nucleotide variant.
Coding change: c.24C>G on transcript NM_000179.3 (MANE Select); coding-DNA position 24, C replaced by G.
Protein change: p.Tyr8Ter; replaces tyrosine 8 with a stop codon.
Molecular consequence: nonsense. On other transcripts: 5 prime UTR variant (1).
Genome position (GRCh38, 1-based): chr2:47,783,257, C>G. VCF-style: chr2-47783257-C-G. GRCh37 (hg19) VCF-style: chr2-48010396-C-G.
Other names: c.24C>G, p.Tyr8Ter (NM_001281492.2); c.-713C>G (NM_001281493.2); short protein forms Y8*.
Identifiers: ClinVar variation 667010 (VCV000667010.14), dbSNP rs746306598, ClinGen allele CA346734503.